The following is an entry in ClinVar:

ClinVar aggregate classification (germline): Benign/Likely benign. Review status: criteria provided, multiple submitters, no conflicts (2 of 4 stars). 8 submissions from 8 submitters: Benign (1); Likely benign (7). Last evaluated 2025-12-02.

Conditions:
Classic or attenuated familial adenomatous polyposis. Identifiers: MedGen CN372698, MONDO:0021057.
Familial adenomatous polyposis 1 (FAP1). Also called: FAMILIAL ADENOMATOUS POLYPOSIS 1, ATTENUATED; POLYPOSIS, ADENOMATOUS INTESTINAL. Identifiers: MedGen C2713442, MONDO:0021056, OMIM 175100. Disease mechanism: loss of function.
Hereditary cancer-predisposing syndrome. Also called: Hereditary neoplastic syndrome; Tumor predisposition; Neoplastic Syndromes, Hereditary; Hereditary Cancer Syndrome. Identifiers: Orphanet 140162, MedGen C0027672, MeSH D009386, MONDO:0015356.

Allele frequency attached by ClinVar (database versions not stated): ExAC 0.00001.
gnomAD v4.1: 6 of 1,613,748 alleles (0.00037%); highest among the groups gnomAD compares: East Asian, 0.0022%; no homozygotes.

Submissions (8):

Labcorp Genetics (formerly Invitae), Labcorp
Classification: Likely benign for Familial adenomatous polyposis 1. Last evaluated: 2025-12-02. Review status: criteria provided, single submitter. Criteria: Invitae Variant Classification Sherloc (09022015). Collection method: clinical testing. Allele origin: germline.

Center for Genomic Medicine, Rigshospitalet, Copenhagen University Hospital
Classification: Likely benign. Last evaluated: 2025-03-04. Review status: criteria provided, single submitter. Criteria: ACMG Guidelines, 2015. Collection method: clinical testing. Allele origin: germline.

CeGaT Center for Human Genetics Tuebingen
Classification: Likely benign. Last evaluated: 2024-07-01. Review status: criteria provided, single submitter. Criteria: CeGaT Center For Human Genetics Tuebingen Variant Classification Criteria Version 2. Collection method: clinical testing. Allele origin: germline. Affected: yes. Observed: 1 variant allele.
Comment: APC: BP4, BP7

Myriad Genetics, Inc.
Classification: Benign for Familial adenomatous polyposis 1. Last evaluated: 2024-04-11. Review status: criteria provided, single submitter. Criteria: Myriad Autosomal Dominant, Autosomal Recessive and X-Linked Classification Criteria (2023). Collection method: clinical testing. Allele origin: unknown.
Comment: This variant is considered benign. This variant is a silent/synonymous amino acid change and it is not expected to impact splicing.

All of Us Research Program, National Institutes of Health
Classification: Likely benign for Classic or attenuated familial adenomatous polyposis. Last evaluated: 2023-11-02. Review status: criteria provided, single submitter. Criteria: ACMG Guidelines, 2015. Collection method: clinical testing. Allele origin: germline. Inheritance: Autosomal dominant inheritance. Observed: 3 variant alleles, 3 heterozygotes.
Comment: This study involves interpretation of variants in research participants for the purpose of population health screening. Participant phenotype was not available at the time of variant classification. Additional details can be found in publication PMID: 35346344, PMCID: PMC8962531

Blueprint Genetics
Classification: Likely benign. Last evaluated: 2023-09-15. Review status: criteria provided, single submitter. Criteria: ACMG Guidelines, 2015. Collection method: clinical testing. Allele origin: germline.

Color Diagnostics, LLC DBA Color Health
Classification: Likely benign for Hereditary cancer-predisposing syndrome. Last evaluated: 2017-10-24. Review status: criteria provided, single submitter. Criteria: ACMG Guidelines, 2015. Collection method: clinical testing. Allele origin: germline.

Ambry Genetics
Classification: Likely benign for Hereditary cancer-predisposing syndrome. Last evaluated: 2017-01-16. Review status: criteria provided, single submitter. Criteria: Ambry Variant Classification Scheme 2023. Collection method: clinical testing. Allele origin: germline.

NM_000038.6(APC):c.7887C>T (p.Thr2629=)

Gene: APC (APC regulator of Wnt signaling pathway; plus strand). Cytogenetic location: 5q22.2.
Variant type: single nucleotide variant.
Coding change: c.7887C>T on transcript NM_000038.6 (MANE Select); coding-DNA position 7887, C replaced by T.
Protein change: p.Thr2629=; no amino-acid change (threonine 2629 retained).
Molecular consequence: synonymous variant.
Genome position (GRCh38, 1-based): chr5:112,843,481, C>T. VCF-style: chr5-112843481-C-T. GRCh37 (hg19) VCF-style: chr5-112179178-C-T.
Other names: c.7887C>T, p.Thr2629= (NM_001127510.3, NM_001354895.2); c.7833C>T, p.Thr2611= (NM_001127511.3); c.7941C>T, p.Thr2647= (NM_001354896.2); c.7917C>T, p.Thr2639= (NM_001354897.2); c.7812C>T, p.Thr2604= (NM_001354898.2); c.7803C>T, p.Thr2601= (NM_001354899.2); c.7764C>T, p.Thr2588= (NM_001354900.2); c.7710C>T, p.Thr2570= (NM_001354901.2); and 5 more.
Identifiers: ClinVar variation 482439 (VCV000482439.42), dbSNP rs754051042, ClinGen allele CA049381.